The following is an entry in ClinVar:

ClinVar aggregate classification (germline): Uncertain significance (3 of 4 stars; one submission).

Conditions:
Phenylketonuria (PKU). Also called: Phenylketonuria (PKU); FOLLING DISEASE; OLIGOPHRENIA PHENYLPYRUVICA; Phenylketonurias. Identifiers: Orphanet 716, MedGen C0031485, MONDO:0009861, OMIM 261600. Disease mechanism: loss of function.

Submission:

ClinGen PAH Variant Curation Expert Panel
Classification: Uncertain significance for Phenylketonuria. Last evaluated: 2021-05-15. Review status: reviewed by expert panel. Criteria: ClinGen PAH ACMG Specifications v1. Collection method: curation. Allele origin: germline. Inheritance: Autosomal recessive inheritance.
Comment: This variant is absent from population databases (PM2), and is predicted deleterious by SIFT, PolyPhen2, MutationTaster, and REVEL = 0.946 (PP3). In summary, this variant meets criteria to be classified as uncertain significance for PAH. PAH-specific ACMG/AMP criteria applied: PM2, PP3, PP4_M.

NM_000277.3(PAH):c.1204T>A (p.Phe402Ile)

Gene: PAH (phenylalanine hydroxylase; minus strand). Cytogenetic location: 12q23.2.
Variant type: single nucleotide variant.
Coding change: c.1204T>A on transcript NM_000277.3 (MANE Select); coding-DNA position 1204, T replaced by A.
Protein change: p.Phe402Ile; replaces phenylalanine 402 with isoleucine.
Molecular consequence: missense variant.
Genome position (GRCh38, 1-based): chr12:102,840,511, A>T on the plus strand (T>A on the coding strand, the complement: PAH is on the minus strand). VCF-style: chr12-102840511-A-T. GRCh37 (hg19) VCF-style: chr12-103234289-A-T.
Other names: NM_001354304.2:c.1204T>A; c.1204T>A, p.Phe402Ile (NM_001354304.2); short protein forms F402I.
Identifiers: ClinVar variation 1327562 (VCV001327562.1), dbSNP rs62508725, ClinGen allele CA16020968.